The following is an entry in ClinVar:

NC_000002.12:g.240042308G>A

Gene: PRR21 (proline rich 21; minus strand). Cytogenetic location: 2q37.3.
Variant type: single nucleotide variant.
Genome position: GRCh38 VCF-style: chr2-240042308-G-A. GRCh37 (hg19) VCF-style: chr2-240981725-G-A.
Identifiers: ClinVar variation 2652086 (VCV002652086.24), dbSNP rs200576451, ClinGen allele CA68088067.

ClinVar aggregate classification (germline): Likely benign (1 of 4 stars; one submission).

Allele frequency attached by ClinVar (database versions not stated): gnomAD exomes 0.00001.

Submission:

CeGaT Center for Human Genetics Tuebingen
Classification: Likely benign. Last evaluated: 2023-11-01. Review status: criteria provided, single submitter. Criteria: CeGaT Center For Human Genetics Tuebingen Variant Classification Criteria Version 2. Collection method: clinical testing. Allele origin: germline. Affected: yes. Observed: 2 variant alleles.
Comment: PRR21: BP4, BP7